The following is an entry in ClinVar:

NM_015102.5(NPHP4):c.548G>C (p.Cys183Ser)

Gene: NPHP4 (nephrocystin 4; minus strand). Cytogenetic location: 1p36.31.
Variant type: single nucleotide variant.
Coding change: c.548G>C on transcript NM_015102.5 (MANE Select); coding-DNA position 548, G replaced by C.
Protein change: p.Cys183Ser; replaces cysteine 183 with serine.
Molecular consequence: missense variant. On other transcripts: 5 prime UTR variant (2), non-coding transcript variant (1).
Genome position (GRCh38, 1-based): chr1:5,961,919, C>G on the plus strand (G>C on the coding strand, the complement: NPHP4 is on the minus strand). VCF-style: chr1-5961919-C-G. GRCh37 (hg19) VCF-style: chr1-6021979-C-G.
Other names: c.-682G>C (NM_001291593.2); c.-819G>C (NM_001291594.2); short protein forms C183S.
Identifiers: ClinVar variation 1722245 (VCV001722245.5), dbSNP rs2523514590, ClinGen allele CA338070161.

ClinVar aggregate classification (germline): Uncertain significance (1 of 4 stars; one submission).

Conditions:
Nephronophthisis. Also called: Juvenile Nephronophthisis. Identifiers: Orphanet 655, MedGen C0687120, MONDO:0019005, HP:0000090.

Submission:

Labcorp Genetics (formerly Invitae), Labcorp
Classification: Uncertain significance for Nephronophthisis. Last evaluated: 2022-07-21. Review status: criteria provided, single submitter. Criteria: Invitae Variant Classification Sherloc (09022015). Collection method: clinical testing. Allele origin: germline.
Comment: This sequence change replaces cysteine, which is neutral and slightly polar, with serine, which is neutral and polar, at codon 183 of the NPHP4 protein (p.Cys183Ser). This variant is not present in population databases (gnomAD no frequency). This variant has not been reported in the literature in individuals affected with NPHP4-related conditions. Algorithms developed to predict the effect of missense changes on protein structure and function (SIFT, PolyPhen-2, Align-GVGD) all suggest that this variant is likely to be tolerated. In summary, the available evidence is currently insufficient to determine the role of this variant in disease. Therefore, it has been classified as a Variant of Uncertain Significance.